The following is an entry in ClinVar:

NM_003482.4(KMT2D):c.10714A>G (p.Ser3572Gly)

Gene: KMT2D (lysine methyltransferase 2D; minus strand). Cytogenetic location: 12q13.12.
Variant type: single nucleotide variant.
Coding change: c.10714A>G on transcript NM_003482.4 (MANE Select); coding-DNA position 10714, A replaced by G.
Protein change: p.Ser3572Gly; replaces serine 3572 with glycine.
Molecular consequence: missense variant.
Genome position (GRCh38, 1-based): chr12:49,034,093, T>C on the plus strand (A>G on the coding strand, the complement: KMT2D is on the minus strand). VCF-style: chr12-49034093-T-C. GRCh37 (hg19) VCF-style: chr12-49427876-T-C.
Other names: short protein forms S3572G.
Identifiers: ClinVar variation 5010058 (VCV005010058.1).

ClinVar aggregate classification (germline): Uncertain significance (1 of 4 stars; one submission).

Submission:

GeneDx
Classification: Uncertain significance. Last evaluated: 2026-02-23. Review status: criteria provided, single submitter. Criteria: GeneDx Variant Classification Process June 2021. Collection method: clinical testing. Allele origin: germline.
Comment: Not observed at significant frequency in large population cohorts (gnomAD); In silico analysis supports that this missense variant has a deleterious effect on protein structure/function; Has not been previously published as pathogenic or benign to our knowledge